The following is an entry in ClinVar:

NM_001366385.1(CARD14):c.131G>A (p.Arg44His)

Gene: CARD14 (caspase recruitment domain family member 14; plus strand). Cytogenetic location: 17q25.3.
Variant type: single nucleotide variant.
Coding change: c.131G>A on transcript NM_001366385.1 (MANE Select); coding-DNA position 131, G replaced by A.
Protein change: p.Arg44His; replaces arginine 44 with histidine.
Molecular consequence: missense variant. On other transcripts: non-coding transcript variant (1).
Genome position (GRCh38, 1-based): chr17:80,181,569, G>A. VCF-style: chr17-80181569-G-A. GRCh37 (hg19) VCF-style: chr17-78155368-G-A.
Other names: c.131G>A, p.Arg44His (NM_024110.4, NM_001257970.1); short protein forms R44H.
Identifiers: ClinVar variation 582121 (VCV000582121.31), dbSNP rs746969281, ClinGen allele CA8816338.

ClinVar aggregate classification (germline): Uncertain significance. Review status: criteria provided, multiple submitters, no conflicts (2 of 4 stars). 2 submissions from 2 submitters: Uncertain significance (2). Last evaluated 2026-01-12.

Conditions:
Psoriasis 2. Identifiers: MedGen C1864497, MONDO:0011269, OMIM 602723.
Pityriasis rubra pilaris (PRP). Also called: Pityriasis rubra pilaris--familial type. Identifiers: Orphanet 2897, MedGen C0032027, MONDO:0100017, OMIM 173200, MONDO:0008251.

Allele frequency attached by ClinVar (database versions not stated): gnomAD exomes 0.00002; TOPMed 0.00003; gnomAD 0.00004; ExAC 0.00008.
gnomAD v4.1: 46 of 1,566,140 alleles (0.0029%); highest among the groups gnomAD compares: African/African-American, 0.0041%; no homozygotes.

Submissions (2):

Labcorp Genetics (formerly Invitae), Labcorp
Classification: Uncertain significance for Pityriasis rubra pilaris; Psoriasis 2. Last evaluated: 2026-01-12. Review status: criteria provided, single submitter. Criteria: Invitae Variant Classification Sherloc (09022015). Collection method: clinical testing. Allele origin: germline.
Comment: This sequence change replaces arginine, which is basic and polar, with histidine, which is basic and polar, at codon 44 of the CARD14 protein (p.Arg44His). The frequency data for this variant in the population databases is considered unreliable, as metrics indicate poor data quality at this position in the gnomAD database. This variant has not been reported in the literature in individuals affected with CARD14-related conditions. ClinVar contains an entry for this variant (Variation ID: 582121). Invitae Evidence Modeling of protein sequence and biophysical properties (such as structural, functional, and spatial information, amino acid conservation, physicochemical variation, residue mobility, and thermodynamic stability) has been performed for this missense variant. However, the output from this modeling did not meet the statistical confidence thresholds required to predict the impact of this variant on CARD14 protein function. In summary, the available evidence is currently insufficient to determine the role of this variant in disease. Therefore, it has been classified as a Variant of Uncertain Significance.

CeGaT Center for Human Genetics Tuebingen
Classification: Uncertain significance. Last evaluated: 2024-02-01. Review status: criteria provided, single submitter. Criteria: CeGaT Center For Human Genetics Tuebingen Variant Classification Criteria Version 2. Collection method: clinical testing. Allele origin: germline. Affected: yes. Observed: 1 variant allele.